The following is an entry in ClinVar:

NM_002392.6(MDM2):c.899A>T (p.Asp300Val)

Gene: MDM2 (MDM2 proto-oncogene; plus strand). Cytogenetic location: 12q15.
Variant type: single nucleotide variant.
Coding change: c.899A>T on transcript NM_002392.6 (MANE Select); coding-DNA position 899, A replaced by T.
Protein change: p.Asp300Val; replaces aspartic acid 300 with valine.
Molecular consequence: missense variant. On other transcripts: intron variant (1).
Genome position (GRCh38, 1-based): chr12:68,836,730, A>T. VCF-style: chr12-68836730-A-T. GRCh37 (hg19) VCF-style: chr12-69230510-A-T.
Other names: c.740A>T, p.Asp247Val (NM_001145337.3); c.734A>T, p.Asp245Val (NM_001145339.2); c.371A>T, p.Asp124Val (NM_001278462.2); c.881A>T, p.Asp294Val (NM_001367990.1); c.312+746A>T (NM_001145340.3); short protein forms D124V, D294V, D245V, D247V, D300V.
Identifiers: ClinVar variation 3715725 (VCV003715725.2).
Genomic context (GRCh38, chr12:68,836,730, plus strand): 5'-AGGTATATCAAGTTACTGTGTATCAGGCAGGGGAGAGTGATACAGATTCATTTGAAGAAG[A>T]TCCTGAAATTTCCTTAGCTGTAAGTATACATCTACTTTTTTAAGAAATAAAAATTTCATT-3'
Protein context (NP_002383.2, residues 290-310): GESDTDSFEE[Asp300Val]PEISLADYWK

ClinVar aggregate classification (germline): Uncertain significance (1 of 4 stars; one submission).

Conditions:
Accelerated tumor formation, susceptibility to (ACTFS). Identifiers: MedGen C3280690, OMIM 614401, MONDO:0013733.

Submission:

Labcorp Genetics (formerly Invitae), Labcorp
Classification: Uncertain significance for Accelerated tumor formation, susceptibility to. Last evaluated: 2024-08-12. Review status: criteria provided, single submitter. Criteria: Invitae Variant Classification Sherloc (09022015). Collection method: clinical testing. Allele origin: germline.
Comment: This sequence change replaces aspartic acid, which is acidic and polar, with valine, which is neutral and non-polar, at codon 300 of the MDM2 protein (p.Asp300Val). This variant is not present in population databases (gnomAD no frequency). This variant has not been reported in the literature in individuals affected with MDM2-related conditions. An algorithm developed to predict the effect of missense changes on protein structure and function (PolyPhen-2) suggests that this variant is likely to be disruptive. In summary, the available evidence is currently insufficient to determine the role of this variant in disease. Therefore, it has been classified as a Variant of Uncertain Significance.